The following is an entry in ClinVar:

NM_003742.4(ABCB11):c.77-7C>A

Gene: ABCB11 (ATP binding cassette subfamily B member 11; minus strand). Cytogenetic location: 2q31.1.
Variant type: single nucleotide variant.
Coding change: c.77-7C>A on transcript NM_003742.4 (MANE Select); 7 bases into the intron before coding-DNA position 77, C replaced by A.
Molecular consequence: intron variant.
Genome position (GRCh38, 1-based): chr2:169,016,806, G>T on the plus strand (C>A on the coding strand, the complement: ABCB11 is on the minus strand). VCF-style: chr2-169016806-G-T. GRCh37 (hg19) VCF-style: chr2-169873316-G-T.
Identifiers: ClinVar variation 4846724 (VCV004846724.1).

ClinVar aggregate classification (germline): Uncertain significance (1 of 4 stars; one submission).

Conditions:
Familial intrahepatic cholestasis. Identifiers: Orphanet 284385, MedGen CN296401, MONDO:0017290.

Submission:

Genomenon, Inc
Classification: Uncertain significance for Familial intrahepatic cholestasis. Last evaluated: 2026-04-14. Review status: criteria provided, single submitter. Criteria: Genomenon Sequence Variant Interpretation Standards - Updated. Collection method: curation. Allele origin: germline. Affected: no.
Comment: ABCB11 c.77-7C>A is an intronic variant located in the acceptor splice region of intron 2. This variant has been reported in the published literature (PMID:27114171). It is absent or not present at a significant frequency in gnomAD. In conclusion, we classify ABCB11 c.77-7C>A as a variant of uncertain significance.

Literature cited by the submitters: PubMed 27114171.